The following is an entry in ClinVar:

NM_000410.4(HFE):c.17G>C (p.Arg6Thr)

Genes: HFE (homeostatic iron regulator; plus strand), HFE-AS1 (HFE antisense RNA 1; minus strand). Cytogenetic location: 6p22.2.
Variant type: single nucleotide variant.
Coding change: c.17G>C on transcript NM_000410.4 (MANE Select); coding-DNA position 17, G replaced by C.
Protein change: p.Arg6Thr; replaces arginine 6 with threonine.
Molecular consequence: missense variant. On other transcripts: non-coding transcript variant (1).
Genome position (GRCh38, 1-based): chr6:26,087,457, G>C. VCF-style: chr6-26087457-G-C. GRCh37 (hg19) VCF-style: chr6-26087685-G-C.
Other names: c.17G>C, p.Arg6Thr (NM_001300749.3, NM_001384164.1, NM_001406751.1 and 9 more transcripts); short protein forms R6T.
Identifiers: ClinVar variation 3061479 (VCV003061479.3), dbSNP rs1762350545, ClinGen allele CA363202630.

ClinVar aggregate classification (germline): Uncertain significance. Review status: criteria provided, single submitter (1 of 4 stars). 2 submissions from 2 submitters: Uncertain significance (1). 1 of the submissions does not count toward it. Last evaluated 2022-09-01.

Conditions:
HFE-related disorder. Also called: HFE-related condition.

Allele frequency attached by ClinVar (database versions not stated): gnomAD exomes 0.00001.
gnomAD v4.1: 3 of 1,614,138 alleles (0.00019%); highest among the groups gnomAD compares: Non-Finnish European, 0.00025%; no homozygotes.

Submissions (2):

Blueprint Genetics
Classification: Uncertain significance. Last evaluated: 2022-09-01. Review status: criteria provided, single submitter. Criteria: ACMG Guidelines, 2015. Collection method: clinical testing. Allele origin: germline.

PreventionGenetics, part of Exact Sciences
Classification: Uncertain significance for HFE-related condition. Last evaluated: 2023-11-13. Review status: no assertion criteria provided. Collection method: clinical testing. Allele origin: germline. Not counted in ClinVar's aggregate classification.
Comment: The HFE c.17G>C variant is predicted to result in the amino acid substitution p.Arg6Thr. To our knowledge, this variant has not been reported in the literature or in a large population database, indicating this variant is rare. An alternative variant affecting the same amino acid (p.Arg6Ser) has been reported in association with haemochromatosis (Wigg et al. 2003. PubMed ID: 12584229). At this time, the clinical significance of this variant is uncertain due to the absence of conclusive functional and genetic evidence.